The following is an entry in ClinVar:

NM_001330260.2(SCN8A):c.928+164T>C

Gene: SCN8A (sodium voltage-gated channel alpha subunit 8; plus strand). Cytogenetic location: 12q13.13.
Variant type: single nucleotide variant.
Coding change: c.928+164T>C on transcript NM_001330260.2 (MANE Select); 164 bases into the intron after coding-DNA position 928, T replaced by C.
Molecular consequence: intron variant.
Genome position (GRCh38, 1-based): chr12:51,699,955, T>C. VCF-style: chr12-51699955-T-C. GRCh37 (hg19) VCF-style: chr12-52093739-T-C.
Other names: c.928+164T>C (NM_014191.4, NM_001177984.3, NM_001369788.1).
Identifiers: ClinVar variation 672760 (VCV000672760.1), dbSNP rs111372870, ClinGen allele CA236262587.

ClinVar aggregate classification (germline): Likely benign (1 of 4 stars; one submission).

Allele frequency attached by ClinVar (database versions not stated): 1000 Genomes Project 0.00619; 1000 Genomes Project 30x 0.00703; TOPMed 0.01251; gnomAD 0.01361 and 0.01417.
gnomAD v4.1: 2,053 of 151,996 alleles (1.4%); highest among the groups gnomAD compares: Non-Finnish European, 2.1%; 23 homozygotes.

Submission:

GeneDx
Classification: Likely benign. Last evaluated: 2018-06-19. Review status: criteria provided, single submitter. Criteria: GeneDx Variant Classification (06012015). Collection method: clinical testing. Allele origin: germline. Affected: yes.
Comment: This variant is considered likely benign or benign based on one or more of the following criteria: it is a conservative change, it occurs at a poorly conserved position in the protein, it is predicted to be benign by multiple in silico algorithms, and/or has population frequency not consistent with disease.